The following is an entry in ClinVar:

NM_003922.4(HERC1):c.4028T>G (p.Phe1343Cys)

Gene: HERC1 (HECT and RLD domain containing E3 ubiquitin protein ligase family member 1; minus strand). Cytogenetic location: 15q22.31.
Variant type: single nucleotide variant.
Coding change: c.4028T>G on transcript NM_003922.4 (MANE Select); coding-DNA position 4028, T replaced by G.
Protein change: p.Phe1343Cys; replaces phenylalanine 1343 with cysteine.
Molecular consequence: missense variant.
Genome position (GRCh38, 1-based): chr15:63,716,424, A>C on the plus strand (T>G on the coding strand, the complement: HERC1 is on the minus strand). VCF-style: chr15-63716424-A-C. GRCh37 (hg19) VCF-style: chr15-64008623-A-C.
Other names: short protein forms F1343C.
Identifiers: ClinVar variation 5017539 (VCV005017539.1).

ClinVar aggregate classification (germline): Uncertain significance (1 of 4 stars; one submission).

gnomAD v4.1: 35 of 1,613,776 alleles (0.0022%); highest among the groups gnomAD compares: Middle Eastern, 0.082%; no homozygotes.

Submission:

GeneDx
Classification: Uncertain significance. Last evaluated: 2026-03-26. Review status: criteria provided, single submitter. Criteria: GeneDx Variant Classification Process June 2021. Collection method: clinical testing. Allele origin: germline.
Comment: Not observed at significant frequency in large population cohorts (gnomAD); In silico analysis supports that this missense variant has a deleterious effect on protein structure/function; Has not been previously published as pathogenic or benign to our knowledge